The following is an entry in ClinVar:

NM_024675.4(PALB2):c.3413_3414delinsAT (p.Ala1138Asp)

Gene: PALB2 (partner and localizer of BRCA2; minus strand). Cytogenetic location: 16p12.2.
Variant type: Indel.
Coding change: c.3413_3414delinsAT on transcript NM_024675.4 (MANE Select); coding-DNA positions 3413 to 3414, CC replaced by AT.
Protein change: p.Ala1138Asp; replaces alanine 1138 with aspartic acid.
Molecular consequence: missense variant. On other transcripts: 3 prime UTR variant (5).
Genome position (GRCh38, 1-based): chr16:23,603,606-23,603,607, GG replaced by AT on the plus strand (CC replaced by AT on the coding strand, the reverse complement: PALB2 is on the minus strand). VCF-style: chr16-23603606-GG-AT. GRCh37 (hg19) VCF-style: chr16-23614927-GG-AT.
Other names: c.3353_3354delinsAT, p.Ala1118Asp (NM_001407296.1); c.3341_3342delinsAT, p.Ala1114Asp (NM_001407297.1); c.3251_3252delinsAT, p.Ala1084Asp (NM_001407298.1); c.3176_3177delinsAT, p.Ala1059Asp (NM_001407299.1); c.3134_3135delinsAT, p.Ala1045Asp (NM_001407300.1); c.*48_*49delinsAT (NM_001407301.1, NM_001407302.1, NM_001407310.1 and 2 more transcripts); c.2528_2529delinsAT, p.Ala843Asp (NM_001407304.1, NM_001407305.1, NM_001407306.1); c.2366_2367delinsAT, p.Ala789Asp (NM_001407307.1); and 3 more; short protein forms A1084D, A316D, A1138D, A789D, A843D, A1045D, A1059D, A1114D.
Identifiers: ClinVar variation 2708623 (VCV002708623.4), dbSNP rs2506197160, ClinGen allele CA2697555781.

ClinVar aggregate classification (germline): Uncertain significance. Review status: criteria provided, multiple submitters, no conflicts (2 of 4 stars). 2 submissions from 2 submitters: Uncertain significance (2). Last evaluated 2025-10-24.

Conditions:
Hereditary cancer-predisposing syndrome. Also called: Neoplastic Syndromes, Hereditary; Tumor predisposition; Hereditary Cancer Syndrome; Hereditary neoplastic syndrome. Identifiers: Orphanet 140162, MedGen C0027672, MeSH D009386, MONDO:0015356.
Familial cancer of breast. Also called: hereditary breast carcinoma; Hereditary breast cancer; BREAST CANCER, FAMILIAL. Identifiers: Orphanet 227535, MedGen C0346153, MONDO:0016419, OMIM 114480. Disease mechanism: loss of function.

Submissions (2):

Ambry Genetics
Classification: Uncertain significance for Hereditary cancer-predisposing syndrome. Last evaluated: 2025-10-24. Review status: criteria provided, single submitter. Criteria: Ambry Variant Classification Scheme 2023. Collection method: clinical testing. Allele origin: germline.
Comment: The c.3413_3414delCCinsAT variant, located in coding exon 13 of the PALB2 gene, results from an in-frame deletion of CC and insertion of AT at nucleotide positions 3413 to 3414. This results in the substitution of the alanine residue for an aspartic acid residue at codon 1138, an amino acid with dissimilar properties. This amino acid position is highly conserved in available vertebrate species. In addition, the in silico prediction for this alteration is inconclusive. Based on the available evidence, the clinical significance of this variant remains unclear.

Labcorp Genetics (formerly Invitae), Labcorp
Classification: Uncertain significance for Familial cancer of breast. Last evaluated: 2023-05-24. Review status: criteria provided, single submitter. Criteria: Invitae Variant Classification Sherloc (09022015). Collection method: clinical testing. Allele origin: germline.
Comment: In summary, the available evidence is currently insufficient to determine the role of this variant in disease. Therefore, it has been classified as a Variant of Uncertain Significance. An algorithm developed to predict the effect of missense changes on protein structure and function (PolyPhen-2) suggests that this variant is likely to be disruptive. This variant has not been reported in the literature in individuals affected with PALB2-related conditions. Information on the frequency of this variant in the gnomAD database is not available, as this variant may be reported differently in the database. This sequence change replaces alanine, which is neutral and non-polar, with aspartic acid, which is acidic and polar, at codon 1138 of the PALB2 protein (p.Ala1138Asp).